The following is an entry in ClinVar:

ClinVar aggregate classification (germline): Benign/Likely benign. Review status: criteria provided, multiple submitters, no conflicts (2 of 4 stars). 8 submissions from 8 submitters: Benign (3); Likely benign (2). 3 of the submissions do not count toward it. Last evaluated 2026-01-07.

Conditions:
Hypertrophic cardiomyopathy 19. Also called: Familial hypertrophic cardiomyopathy 19. Identifiers: MedGen CN077603, MONDO:0013476.

Allele frequency attached by ClinVar (database versions not stated): TOPMed 0.00075; ESP Exome Variant Server 0.00092; gnomAD 0.00114 and 0.00118; gnomAD exomes 0.00122 and 0.00129; ExAC 0.00130.
gnomAD v4.1: 1,987 of 1,567,112 alleles (0.13%); highest among the groups gnomAD compares: Non-Finnish European, 0.14%; 4 homozygotes.

Submissions (8):

Labcorp Genetics (formerly Invitae), Labcorp
Classification: Benign for Hypertrophic cardiomyopathy 19. Last evaluated: 2026-01-07. Review status: criteria provided, single submitter. Criteria: Invitae Variant Classification Sherloc (09022015). Collection method: clinical testing. Allele origin: germline.

Blueprint Genetics
Classification: Likely benign. Last evaluated: 2024-11-27. Review status: criteria provided, single submitter. Criteria: ACMG Guidelines, 2015. Collection method: clinical testing. Allele origin: germline.

Women's Health and Genetics/Laboratory Corporation of America, LabCorp
Classification: Benign. Last evaluated: 2017-08-23. Review status: criteria provided, single submitter. Criteria: LabCorp Variant Classification Summary - May 2015. Collection method: clinical testing. Allele origin: germline.
Comment: Variant summary: The CALR3 c.398-6T>C variant involves the alteration of a non-conserved intronic nucleotide. Mutation Taster predicts a damaging outcome for this variant. 5/5 splice prediction tools predict no significant impact on normal splicing. However, these predictions have yet to be confirmed by functional studies. This variant was found in 137/105290 control chromosomes from ExAC at a frequency of 0.0013012, which is approximately 52 times the estimated maximal expected allele frequency of a pathogenic CALR3 variant (0.000025), suggesting this variant is likely a benign polymorphism. In addition, one clinical diagnostic laboratory in ClinVar has classified this variant as benign. To our knowledge, this variant has not been reported in affected individuals in literature. Taken together, this variant is classified as benign.

Genome Diagnostics Laboratory, University Medical Center Utrecht
Classification: Likely benign for Hypertrophic cardiomyopathy 1. Last evaluated: 2017-07-28. Review status: criteria provided, single submitter. Criteria: ACGS Guidelines, 2013. Collection method: clinical testing. Allele origin: germline. Affected: yes. Study: VKGL Data-share Consensus.

Clinical Genetics DNA and cytogenetics Diagnostics Lab, Erasmus MC, Erasmus Medical Center
Classification: Benign for Hypertrophic cardiomyopathy 1. Last evaluated: 2015-09-21. Review status: criteria provided, single submitter. Criteria: ACGS Guidelines, 2013. Collection method: clinical testing. Allele origin: germline. Affected: yes. Study: VKGL Data-share Consensus.

Clinical Genetics, Academic Medical Center
Classification: Benign. Review status: no assertion criteria provided. Collection method: clinical testing. Allele origin: germline. Affected: yes. Study: VKGL Data-share Consensus. Not counted in ClinVar's aggregate classification.

Diagnostic Laboratory, Department of Genetics, University Medical Center Groningen
Classification: Likely benign for Hypertrophic cardiomyopathy 1. Review status: no assertion criteria provided. Collection method: clinical testing. Allele origin: germline. Affected: yes. Study: VKGL Data-share Consensus. Not counted in ClinVar's aggregate classification.

Joint Genome Diagnostic Labs from Nijmegen and Maastricht, Radboudumc and MUMC+
Classification: Benign. Review status: no assertion criteria provided. Collection method: clinical testing. Allele origin: germline. Affected: yes. Study: VKGL Data-share Consensus. Not counted in ClinVar's aggregate classification.

NM_145046.5(CALR3):c.398-6T>C

Gene: CALR3 (calreticulin 3; minus strand). Cytogenetic location: 19p13.11.
Variant type: single nucleotide variant.
Coding change: c.398-6T>C on transcript NM_145046.5 (MANE Select); 6 bases into the intron before coding-DNA position 398, T replaced by C.
Molecular consequence: intron variant.
Genome position (GRCh38, 1-based): chr19:16,485,263, A>G on the plus strand (T>C on the coding strand, the complement: CALR3 is on the minus strand). VCF-style: chr19-16485263-A-G. GRCh37 (hg19) VCF-style: chr19-16596074-A-G.
Identifiers: ClinVar variation 220700 (VCV000220700.18), dbSNP rs376479901, ClinGen allele CA349134.